The following is an entry in ClinVar:

ClinVar aggregate classification (germline): Uncertain significance (1 of 4 stars; one submission).

Allele frequency attached by ClinVar (database versions not stated): gnomAD exomes below 0.00001; ExAC 0.00001; TOPMed 0.00001; ESP Exome Variant Server 0.00008.

Submission:

Ambry Genetics
Classification: Uncertain significance. Last evaluated: 2025-01-23. Review status: criteria provided, single submitter. Criteria: Ambry Variant Classification Scheme 2023. Collection method: clinical testing. Allele origin: germline.
Comment: The p.V410L variant (also known as c.1228G>T), located in coding exon 5 of the EGLN1 gene, results from a G to T substitution at nucleotide position 1228. The valine at codon 410 is replaced by leucine, an amino acid with highly similar properties. This amino acid position is highly conserved in available vertebrate species. In addition, the in silico prediction for this alteration is inconclusive. Since supporting evidence is limited at this time, the clinical significance of this alteration remains unclear.

NM_022051.3(EGLN1):c.1228G>T (p.Val410Leu)

Gene: EGLN1 (egl-9 family hypoxia inducible factor 1; minus strand). Cytogenetic location: 1q42.2.
Variant type: single nucleotide variant.
Coding change: c.1228G>T on transcript NM_022051.3 (MANE Select); coding-DNA position 1228, G replaced by T.
Protein change: p.Val410Leu; replaces valine 410 with leucine.
Molecular consequence: missense variant. On other transcripts: 3 prime UTR variant (2).
Genome position (GRCh38, 1-based): chr1:231,366,464, C>A on the plus strand (G>T on the coding strand, the complement: EGLN1 is on the minus strand). VCF-style: chr1-231366464-C-A. GRCh37 (hg19) VCF-style: chr1-231502210-C-A.
Other names: c.*8G>T (NM_001377260.1); c.*53G>T (NM_001377261.1); short protein forms V410L.
Identifiers: ClinVar variation 1754900 (VCV001754900.3), dbSNP rs137949094, ClinGen allele CA1452965.